The following is an entry in ClinVar:

NM_001367721.1(CASK):c.1493A>G (p.Asp498Gly)

Gene: CASK (calcium/calmodulin dependent serine protein kinase; minus strand). Cytogenetic location: Xp11.4.
Variant type: single nucleotide variant.
Coding change: c.1493A>G on transcript NM_001367721.1 (MANE Select); coding-DNA position 1493, A replaced by G.
Protein change: p.Asp498Gly; replaces aspartic acid 498 with glycine.
Molecular consequence: missense variant.
Genome position (GRCh38, 1-based): chrX:41,578,350, T>C on the plus strand (A>G on the coding strand, the complement: CASK is on the minus strand). VCF-style: chrX-41578350-T-C. GRCh37 (hg19) VCF-style: chrX-41437603-T-C.
Other names: c.1493A>G, p.Asp498Gly (NM_001126054.3, NM_003688.4); c.1475A>G, p.Asp492Gly (NM_001126055.3, NM_001410745.1); short protein forms D492G, D498G.
Identifiers: ClinVar variation 1007073 (VCV001007073.10), dbSNP rs1409442804, ClinGen allele CA412997251.
Genomic context (GRCh38, chrX:41,578,350, plus strand): 5'-CTCATGCTGGGATCTTATGAGAGTATTGAAAACTTTCTCTTCCTACTTACCATTGGTTCA[T>C]CTGTGTTCTTTTGAAACTGTACCAGCCGAACTCTGGTCACATTCTCCATATCCATGTCTC-3'
Protein context (NP_001354650.1, residues 488-508): VRLVQFQKNT[Asp498Gly]EPMGITLKMN

ClinVar aggregate classification (germline): Uncertain significance. Review status: criteria provided, multiple submitters, no conflicts (2 of 4 stars). 2 submissions from 2 submitters: Uncertain significance (2). Last evaluated 2023-07-16.

Conditions:
Inborn genetic diseases. Identifiers: MedGen C0950123, MeSH D030342.
Intellectual disability, CASK-related, X-linked. Identifiers: MedGen CN043158.

Allele frequency attached by ClinVar (database versions not stated): gnomAD exomes below 0.00001 and 0.00001; gnomAD 0.00001; TOPMed 0.00002.
gnomAD v4.1: 6 of 1,200,200 alleles (0.0005%); highest among the groups gnomAD compares: Non-Finnish European, 0.00068%; no homozygotes.

Submissions (2):

Labcorp Genetics (formerly Invitae), Labcorp
Classification: Uncertain significance for Intellectual disability, CASK-related, X-linked. Last evaluated: 2023-07-16. Review status: criteria provided, single submitter. Criteria: Invitae Variant Classification Sherloc (09022015). Collection method: clinical testing. Allele origin: germline.
Comment: In summary, the available evidence is currently insufficient to determine the role of this variant in disease. Therefore, it has been classified as a Variant of Uncertain Significance. Advanced modeling of protein sequence and biophysical properties (such as structural, functional, and spatial information, amino acid conservation, physicochemical variation, residue mobility, and thermodynamic stability) has been performed at Invitae for this missense variant, however the output from this modeling did not meet the statistical confidence thresholds required to predict the impact of this variant on CASK protein function. ClinVar contains an entry for this variant (Variation ID: 1007073). This variant has not been reported in the literature in individuals affected with CASK-related conditions. This variant is present in population databases (no rsID available, gnomAD 0.001%), including at least one homozygous and/or hemizygous individual. This sequence change replaces aspartic acid, which is acidic and polar, with glycine, which is neutral and non-polar, at codon 498 of the CASK protein (p.Asp498Gly).

Ambry Genetics
Classification: Uncertain significance for Inborn genetic diseases. Last evaluated: 2021-01-07. Review status: criteria provided, single submitter. Criteria: Ambry Variant Classification Scheme 2023. Collection method: clinical testing. Allele origin: germline.